The following is an entry in ClinVar:

NM_000443.4(ABCB4):c.726T>G (p.Ser242Arg)

Gene: ABCB4 (ATP binding cassette subfamily B member 4; minus strand). Cytogenetic location: 7q21.12.
Variant type: single nucleotide variant.
Coding change: c.726T>G on transcript NM_000443.4 (MANE Select); coding-DNA position 726, T replaced by G.
Protein change: p.Ser242Arg; replaces serine 242 with arginine.
Molecular consequence: missense variant.
Genome position (GRCh38, 1-based): chr7:87,450,075, A>C on the plus strand (T>G on the coding strand, the complement: ABCB4 is on the minus strand). VCF-style: chr7-87450075-A-C. GRCh37 (hg19) VCF-style: chr7-87079391-A-C.
Other names: c.726T>G, p.Ser242Arg (NM_018849.3, NM_018850.3); short protein forms S242R.
Identifiers: ClinVar variation 4846618 (VCV004846618.1).

ClinVar aggregate classification (germline): Uncertain significance (1 of 4 stars; one submission).

Conditions:
Low phospholipid associated cholelithiasis (GBD1). Also called: Gallbladder disease 1; Gallstone cholecystitis. Identifiers: Orphanet 69663, MedGen C2609268, MONDO:0010939, OMIM 600803.

gnomAD v4.1: 4 of 1,613,976 alleles (0.00025%); highest among the groups gnomAD compares: Non-Finnish European, 0.00034%; no homozygotes.

Submission:

Genomenon, Inc
Classification: Uncertain significance for Low phospholipid associated cholelithiasis. Last evaluated: 2026-04-14. Review status: criteria provided, single submitter. Criteria: Genomenon Sequence Variant Interpretation Standards - Updated. Collection method: curation. Allele origin: germline. Affected: yes.
Comment: ABCB4 p.Ser242Arg (c.726T>G) is a missense variant that changes the amino acid at residue 242 from Serine to Arginine. This variant has been observed in at least one proband with an ABCB4-related disorder (PMID:41274965;31538484). At least one functional study has demonstrated a substantial alteration in protein function relative to the wild-type (PMID:41274965). It is absent or not present at a significant frequency in gnomAD. In conclusion, we classify ABCB4 p.Ser242Arg (c.726T>G) as a variant of uncertain significance.

Literature cited by the submitters: PubMed 41274965; PubMed 31538484.